The following is an entry in ClinVar:

NM_001039660.2(IL18BP):c.373A>C (p.Ser125Arg)

Gene: IL18BP (interleukin 18 binding protein; plus strand). Cytogenetic location: 11q13.4.
Variant type: single nucleotide variant.
Coding change: c.373A>C on transcript NM_001039660.2 (MANE Select); coding-DNA position 373, A replaced by C.
Protein change: p.Ser125Arg; replaces serine 125 with arginine.
Molecular consequence: missense variant. On other transcripts: intron variant (1).
Genome position (GRCh38, 1-based): chr11:72,001,418, A>C. VCF-style: chr11-72001418-A-C. GRCh37 (hg19) VCF-style: chr11-71712464-A-C.
Other names: c.373A>C, p.Ser125Arg (NM_001039659.2, NM_001145057.1, NM_005699.3 and 2 more transcripts); c.236-366A>C (NM_001145055.1); short protein forms S125R.
Identifiers: ClinVar variation 4715803 (VCV004715803.1).

ClinVar aggregate classification (germline): Uncertain significance (1 of 4 stars; one submission).

Submission:

Labcorp Genetics (formerly Invitae), Labcorp
Classification: Uncertain significance. Last evaluated: 2025-03-24. Review status: criteria provided, single submitter. Criteria: Invitae Variant Classification Sherloc (09022015). Collection method: clinical testing. Allele origin: germline.
Comment: This sequence change replaces serine, which is neutral and polar, with arginine, which is basic and polar, at codon 125 of the IL18BP protein (p.Ser125Arg). This variant is not present in population databases (gnomAD no frequency). This variant has not been reported in the literature in individuals affected with IL18BP-related conditions. An algorithm developed to predict the effect of missense changes on protein structure and function (PolyPhen-2) suggests that this variant is likely to be tolerated. In summary, the available evidence is currently insufficient to determine the role of this variant in disease. Therefore, it has been classified as a Variant of Uncertain Significance.